The following is an entry in ClinVar:

NM_031407.7(HUWE1):c.5915T>G (p.Met1972Arg)

Gene: HUWE1 (HECT, UBA and WWE domain containing E3 ubiquitin protein ligase 1; minus strand). Cytogenetic location: Xp11.22.
Variant type: single nucleotide variant.
Coding change: c.5915T>G on transcript NM_031407.7 (MANE Select); coding-DNA position 5915, T replaced by G.
Protein change: p.Met1972Arg; replaces methionine 1972 with arginine.
Molecular consequence: missense variant.
Genome position (GRCh38, 1-based): chrX:53,575,758, A>C on the plus strand (T>G on the coding strand, the complement: HUWE1 is on the minus strand). VCF-style: chrX-53575758-A-C. GRCh37 (hg19) VCF-style: chrX-53602718-A-C.
Other names: short protein forms M1972R.
Identifiers: ClinVar variation 1805457 (VCV001805457.2), dbSNP rs2524814317, ClinGen allele CA413171265.
Genomic context (GRCh38, chrX:53,575,758, plus strand): 5'-CGGTACTGCTGGTATACATCATCACCCATGTCTTGCAGGAGCTGGCCAACCTCTTGGGTC[A>C]TAACCCCAGGTTTAGGATCAGATTTATCTGCTAGGAAAACAGTAACAACCATCAAAAACA-3'
Protein context (NP_113584.3, residues 1962-1982): ADKSDPKPGV[Met1972Arg]TQEVGQLLQD

ClinVar aggregate classification (germline): Uncertain significance (1 of 4 stars; one submission).

Conditions:
Intellectual developmental disorder, X-linked, syndromic, Turner type. Also called: X-linked intellectual disability, Turner type; Intellectual disability, X-linked syndromic, Turner type. Identifiers: Orphanet 3056, Orphanet 85328, MedGen C2678046, MONDO:0010407, OMIM 309590.

Submission:

Victorian Clinical Genetics Services, Murdoch Childrens Research Institute
Classification: Uncertain significance for Intellectual developmental disorder, X-linked, syndromic, Turner type. Last evaluated: 2022-03-31. Review status: criteria provided, single submitter. Criteria: ACMG Guidelines, 2015. Collection method: clinical testing. Allele origin: germline. Inheritance: X-linked inheritance. Affected: yes.
Comment: Based on the classification scheme VCGS_Germline_v1.3.4, this variant is classified as VUS-3B. Following criteria are met: 0103 - Loss of function and gain of function are known mechanisms of disease in this gene, and are associated with X-linked Turner type intellectual developmental disorder (MIM#309590) (PMID: 27130160). (I) 0110 - This gene is associated with X-linked disease. Due to skewed X-inactivation, heterozygous females may be variably affected, ranging from asymptomatic to fully manifesting the condition (PMID: 29180823). (I) 0200 - Variant is predicted to result in a missense amino acid change from methionine to arginine. (I) 0251 - This variant is heterozygous. (I) 0301 - Variant is absent from gnomAD (both v2 and v3). (SP) 0503 - Missense variant consistently predicted to be tolerated by multiple in silico tools or not conserved in placental mammals with a minor amino acid change. (SB) 0604 - Variant is not located in an established domain, motif, hotspot or informative constraint region. (I) 0705 - No comparable missense variants have previous evidence for pathogenicity. (I) 0807 - This variant has no previous evidence of pathogenicity. (I) 0905 - No published segregation evidence has been identified for this variant. (I) 1007 - No published functional evidence has been identified for this variant. (I) Legend: (SP) - Supporting pathogenic, (I) - Information, (SB) - Supporting benign

Literature cited by the submitters: PubMed 27130160; PubMed 29180823.